The following continues an entry in ClinVar:

NM_001267550.2(TTN):c.106619T>C (p.Ile35540Thr)

ClinVar aggregate classification (germline): Benign/Likely benign. Benign (16); Likely benign (7).

Submissions 18 to 30 of 30:

GeneDx
Classification: Benign. Last evaluated: 2013-08-02. Review status: criteria provided, single submitter. Criteria: GeneDx Variant Classification (06012015). Collection method: clinical testing. Allele origin: germline. Affected: yes.
Comment: This variant is considered likely benign or benign based on one or more of the following criteria: it is a conservative change, it occurs at a poorly conserved position in the protein, it is predicted to be benign by multiple in silico algorithms, and/or has population frequency not consistent with disease.

Biesecker Lab/Clinical Genomics Section, National Institutes of Health
Classification: Benign. Last evaluated: 2013-06-24. Review status: criteria provided, single submitter. Criteria: Ng et al. (Circ Cardiovasc Genet. 2013). Collection method: research. Allele origin: unknown. Observed: 11 variant alleles. Study: ClinSeq.
Comment: The study set was not selected for affection status in relation to any cancer. Pathogenicity categories were based on literature curation. See Pubmed ID:23861362 for details.

Medical sequencing

Ambry Genetics
Classification: Benign for Cardiovascular phenotype. Last evaluated: 2013-02-04. Review status: criteria provided, single submitter. Criteria: Ambry Autosomal Dominant and X-Linked criteria (10/2015). Collection method: clinical testing. Allele origin: germline. Observed: 1 variant allele.

Laboratory for Molecular Medicine, Mass General Brigham Personalized Medicine
Classification: Benign. Last evaluated: 2012-03-21. Review status: criteria provided, single submitter. Criteria: LMM Criteria. Collection method: clinical testing. Allele origin: germline. Observed: 63 variant alleles.
Comment: Ile32972Thr in exon 309 of TTN: This variant is not expected to have clinical si gnificance because it has been identified in 1.8% (117/6528) of European America n chromosomes from a broad population by the NHLBI Exome Sequencing Project (dbSNP rs55880440) . Ile32972Thr in exon 309 of TTN (allele frequency = 1.8%, 117/6528; rs55880440) **

Breakthrough Genomics
Classification: Likely benign. Review status: criteria provided, single submitter. Criteria: ACMG Guidelines, 2015. Collection method: not provided. Allele origin: germline. Inheritance: Autosomal recessive inheritance. Affected: yes.

PreventionGenetics, part of Exact Sciences
Classification: Likely benign. Review status: criteria provided, single submitter. Criteria: ACMG Guidelines, 2015. Collection method: clinical testing. Allele origin: germline.

Clinical Genetics DNA and cytogenetics Diagnostics Lab, Erasmus MC, Erasmus Medical Center
Classification: Benign. Review status: no assertion criteria provided. Collection method: clinical testing. Allele origin: germline. Affected: yes. Study: VKGL Data-share Consensus. Not counted in ClinVar's aggregate classification.

Clinical Genetics, Academic Medical Center
Classification: Benign. Review status: no assertion criteria provided. Collection method: clinical testing. Allele origin: germline. Affected: yes. Study: VKGL Data-share Consensus. Not counted in ClinVar's aggregate classification.

Diagnostic Laboratory, Department of Genetics, University Medical Center Groningen
Classification: Likely benign. Review status: no assertion criteria provided. Collection method: clinical testing. Allele origin: germline. Affected: yes. Study: VKGL Data-share Consensus. Not counted in ClinVar's aggregate classification.

Genetic Services Laboratory, University of Chicago
Classification: Likely benign for AllHighlyPenetrant. Review status: no assertion criteria provided. Collection method: clinical testing. Allele origin: germline. Not counted in ClinVar's aggregate classification.
Comment: Likely benign based on allele frequency in 1000 Genomes Project or ESP global frequency and its presence in a patient with a rare or unrelated disease phenotype. NOT Sanger confirmed.

Genome Diagnostics Laboratory, University Medical Center Utrecht
Classification: Benign. Review status: no assertion criteria provided. Collection method: clinical testing. Allele origin: germline. Affected: yes. Study: VKGL Data-share Consensus. Not counted in ClinVar's aggregate classification.

Joint Genome Diagnostic Labs from Nijmegen and Maastricht, Radboudumc and MUMC+
Classification: Benign. Review status: no assertion criteria provided. Collection method: clinical testing. Allele origin: germline. Affected: yes. Study: VKGL Data-share Consensus. Not counted in ClinVar's aggregate classification.

Laboratory of Diagnostic Genome Analysis, Leiden University Medical Center (LUMC)
Classification: Likely benign. Review status: no assertion criteria provided. Collection method: clinical testing. Allele origin: germline. Affected: yes. Study: VKGL Data-share Consensus. Not counted in ClinVar's aggregate classification.

Literature cited by the submitters: PubMed 27863505 (cited by Athena Diagnostics).